The following is an entry in ClinVar:

ClinVar aggregate classification (germline): Uncertain significance (1 of 4 stars; one submission).

Conditions:
Infantile myofibromatosis (IMF). Also called: Congenital generalized fibromatosis. Identifiers: Orphanet 2591, MedGen C0432284, MONDO:0016824.
Skeletal overgrowth-craniofacial dysmorphism-hyperelastic skin-white matter lesions syndrome. Also called: SKELETAL OVERGROWTH WITH FACIAL DYSMORPHISM, HYPERELASTIC SKIN, WHITE MATTER LESIONS, AND NEUROLOGIC DETERIORATION; Kosaki overgrowth syndrome. Identifiers: Orphanet 477831, MedGen C4225270, MONDO:0014704, OMIM 616592.
Basal ganglia calcification, idiopathic, 4 (PFBC4). Also called: Familial Idiopathic Basal Ganglia Calcification 4; PRIMARY FAMILIAL BRAIN CALCIFICATION 4, AUTOSOMAL DOMINANT. Identifiers: Orphanet 1980, MedGen C3554321, MONDO:0014004, OMIM 615007.
Acroosteolysis-keloid-like lesions-premature aging syndrome. Also called: Premature aging syndrome, Penttinen type; Prematurely aged appearance, delayed bone maturation, acro-osteolysis, and brachydactyly; Progeroid syndrome, Penttinen type. Identifiers: Orphanet 363665, MedGen C1866182, MONDO:0011150, OMIM 601812.

Allele frequency attached by ClinVar (database versions not stated): 1000 Genomes Project 30x 0.00031; ExAC 0.00001; gnomAD 0.00002; 1000 Genomes Project 0.00020; TOPMed 0.00001.
gnomAD v4.1: 43 of 1,613,640 alleles (0.0027%); highest among the groups gnomAD compares: Non-Finnish European, 0.0035%; no homozygotes.

Submission:

Labcorp Genetics (formerly Invitae), Labcorp
Classification: Uncertain significance for Basal ganglia calcification, idiopathic, 4; Skeletal overgrowth-craniofacial dysmorphism-hyperelastic skin-white matter lesions syndrome; Infantile myofibromatosis; Acroosteolysis-keloid-like lesions-premature aging syndrome. Last evaluated: 2022-08-22. Review status: criteria provided, single submitter. Criteria: Invitae Variant Classification Sherloc (09022015). Collection method: clinical testing. Allele origin: germline.
Comment: This variant has not been reported in the literature in individuals affected with PDGFRB-related conditions. This sequence change replaces arginine, which is basic and polar, with histidine, which is basic and polar, at codon 685 of the PDGFRB protein (p.Arg685His). This variant is present in population databases (rs200986052, gnomAD 0.007%). Advanced modeling of protein sequence and biophysical properties (such as structural, functional, and spatial information, amino acid conservation, physicochemical variation, residue mobility, and thermodynamic stability) performed at Invitae indicates that this missense variant is not expected to disrupt PDGFRB protein function. In summary, the available evidence is currently insufficient to determine the role of this variant in disease. Therefore, it has been classified as a Variant of Uncertain Significance.

NM_002609.4(PDGFRB):c.2054G>A (p.Arg685His)

Gene: PDGFRB (platelet derived growth factor receptor beta; minus strand). Cytogenetic location: 5q32.
Variant type: single nucleotide variant.
Coding change: c.2054G>A on transcript NM_002609.4 (MANE Select); coding-DNA position 2054, G replaced by A.
Protein change: p.Arg685His; replaces arginine 685 with histidine.
Molecular consequence: missense variant.
Genome position (GRCh38, 1-based): chr5:150,123,171, C>T on the plus strand (G>A on the coding strand, the complement: PDGFRB is on the minus strand). VCF-style: chr5-150123171-C-T. GRCh37 (hg19) VCF-style: chr5-149502734-C-T.
Other names: c.1862G>A, p.Arg621His (NM_001355016.2); c.1571G>A, p.Arg524His (NM_001355017.2); short protein forms R621H, R524H, R685H.
Identifiers: ClinVar variation 2187908 (VCV002187908.4), dbSNP rs200986052, ClinGen allele CA3507769.